The following is an entry in ClinVar:

ClinVar aggregate classification (germline): Uncertain significance. Review status: criteria provided, multiple submitters, no conflicts (2 of 4 stars). 2 submissions from 2 submitters: Uncertain significance (2). Last evaluated 2025-08-20.

Conditions:
Inborn genetic diseases. Identifiers: MedGen C0950123, MeSH D030342.

Allele frequency attached by ClinVar (database versions not stated): ExAC 0.00002; gnomAD exomes 0.00003; TOPMed 0.00003; ESP Exome Variant Server 0.00008.
gnomAD v4.1: 50 of 1,614,038 alleles (0.0031%); highest among the groups gnomAD compares: South Asian, 0.0099%; no homozygotes.

Submissions (2):

Ambry Genetics
Classification: Uncertain significance for Inborn genetic diseases. Last evaluated: 2025-08-20. Review status: criteria provided, single submitter. Criteria: Ambry Variant Classification Scheme 2023. Collection method: clinical testing. Allele origin: germline.

Labcorp Genetics (formerly Invitae), Labcorp
Classification: Uncertain significance. Last evaluated: 2022-10-13. Review status: criteria provided, single submitter. Criteria: Invitae Variant Classification Sherloc (09022015). Collection method: clinical testing. Allele origin: germline.
Comment: This sequence change replaces aspartic acid, which is acidic and polar, with asparagine, which is neutral and polar, at codon 197 of the GNPTG protein (p.Asp197Asn). This variant is present in population databases (rs367672512, gnomAD 0.008%). This variant has not been reported in the literature in individuals affected with GNPTG-related conditions. ClinVar contains an entry for this variant (Variation ID: 1425112). Advanced modeling of protein sequence and biophysical properties (such as structural, functional, and spatial information, amino acid conservation, physicochemical variation, residue mobility, and thermodynamic stability) performed at Invitae indicates that this missense variant is not expected to disrupt GNPTG protein function. In summary, the available evidence is currently insufficient to determine the role of this variant in disease. Therefore, it has been classified as a Variant of Uncertain Significance.

NM_032520.5(GNPTG):c.589G>A (p.Asp197Asn)

Gene: GNPTG (N-acetylglucosamine-1-phosphate transferase subunit gamma; plus strand). Cytogenetic location: 16p13.3.
Variant type: single nucleotide variant.
Coding change: c.589G>A on transcript NM_032520.5 (MANE Select); coding-DNA position 589, G replaced by A.
Protein change: p.Asp197Asn; replaces aspartic acid 197 with asparagine.
Molecular consequence: missense variant.
Genome position (GRCh38, 1-based): chr16:1,362,514, G>A. VCF-style: chr16-1362514-G-A. GRCh37 (hg19) VCF-style: chr16-1412515-G-A.
Other names: c.589G>A (NM_032520.4); short protein forms D197N.
Identifiers: ClinVar variation 1425112 (VCV001425112.6), dbSNP rs367672512, ClinGen allele CA7807814.